The following is an entry in ClinVar:

ClinVar aggregate classification (germline): Likely benign (0 of 4 stars; one submission).

Conditions:
ZNF264-related disorder. Also called: ZNF264-related condition.

Allele frequency attached by ClinVar (database versions not stated): gnomAD exomes 0.00022; ESP Exome Variant Server 0.00038; ExAC 0.00048; gnomAD 0.00073; TOPMed 0.00078; 1000 Genomes Project 0.00140; 1000 Genomes Project 30x 0.00172.
gnomAD v4.1: 436 of 1,613,654 alleles (0.027%); highest among the groups gnomAD compares: African/African-American, 0.2%; 1 homozygote.

Submission:

PreventionGenetics, part of Exact Sciences
Classification: Likely benign for ZNF264-related condition. Last evaluated: 2022-05-25. Review status: no assertion criteria provided. Collection method: clinical testing. Allele origin: germline.
Comment: This variant is classified as likely benign based on ACMG/AMP sequence variant interpretation guidelines (Richards et al. 2015 PMID: 25741868, with internal and published modifications).

NM_003417.5(ZNF264):c.1456G>A (p.Val486Met)

Gene: ZNF264 (zinc finger protein 264; plus strand). Cytogenetic location: 19q13.43.
Variant type: single nucleotide variant.
Coding change: c.1456G>A on transcript NM_003417.5 (MANE Select); coding-DNA position 1456, G replaced by A.
Protein change: p.Val486Met; replaces valine 486 with methionine.
Molecular consequence: missense variant.
Genome position (GRCh38, 1-based): chr19:57,212,553, G>A. VCF-style: chr19-57212553-G-A. GRCh37 (hg19) VCF-style: chr19-57723921-G-A.
Other names: short protein forms V486M.
Identifiers: ClinVar variation 3039214 (VCV003039214.2), dbSNP rs115484981, ClinGen allele CA9695697.